The following is an entry in ClinVar:

ClinVar aggregate classification (germline): Pathogenic (1 of 4 stars; one submission).

Conditions:
Sulfite oxidase deficiency due to molybdenum cofactor deficiency type A. Also called: Molybdenum cofactor deficiency, complementation group A; Molybdenum Cofactor Deficiency A. Identifiers: Orphanet 308386, Orphanet 833, MedGen C1854988, MONDO:0009643, OMIM 252150.

Submission:

Labcorp Genetics (formerly Invitae), Labcorp
Classification: Pathogenic for Sulfite oxidase deficiency due to molybdenum cofactor deficiency type A. Last evaluated: 2023-01-13. Review status: criteria provided, single submitter. Criteria: Invitae Variant Classification Sherloc (09022015). Collection method: clinical testing. Allele origin: germline.
Comment: This variant is not present in population databases (gnomAD no frequency). For these reasons, this variant has been classified as Pathogenic. This variant has not been reported in the literature in individuals affected with MOCS1-related conditions. This sequence change creates a premature translational stop signal (p.Lys259Argfs*10) in the MOCS1 gene. It is expected to result in an absent or disrupted protein product. Loss-of-function variants in MOCS1 are known to be pathogenic (PMID: 12754701, 16021469).

Literature cited by the submitters: PubMed 12754701; PubMed 16021469.

NM_001358530.2(MOCS1):c.776del (p.Lys259fs)

Gene: MOCS1 (molybdenum cofactor synthesis 1; minus strand). Cytogenetic location: 6p21.2.
Variant type: Deletion.
Coding change: c.776del on transcript NM_001358530.2 (MANE Select); coding-DNA position 776, one base deleted (A; older notation c.776delA).
Protein change: p.Lys259fs; shifts the reading frame from lysine 259.
Molecular consequence: frameshift variant. On other transcripts: non-coding transcript variant (1).
Genome position (GRCh38, 1-based): chr6:39,912,986, T deleted on the plus strand (A on the coding strand, the reverse complement: MOCS1 is on the minus strand); the first of 2 consecutive T bases (chr6:39,912,986-39,912,987); deleting either gives the same sequence. VCF-style (leftmost placement, unchanged base first): chr6-39912985-CT-C. GRCh37 (hg19) VCF-style: chr6-39880729-CT-C.
Other names: c.776del, p.Lys259fs (NM_001075098.4, NM_001358529.2, NM_005943.6); c.515del, p.Lys172fs (NM_001358531.2, NM_001358533.2, NM_001358534.2); short protein forms K259fs, K172fs.
Identifiers: ClinVar variation 3019942 (VCV003019942.3), dbSNP rs2482309323, ClinGen allele CA2740091332.